The following is an entry in ClinVar:

ClinVar aggregate classification (germline): Likely benign (0 of 4 stars; one submission).

Conditions:
KSR2-related disorder. Also called: KSR2-related condition.

gnomAD v4.1: 4 of 1,598,546 alleles (0.00025%); highest among the groups gnomAD compares: African/African-American, 0.0014%; no homozygotes.

Submission:

PreventionGenetics, part of Exact Sciences
Classification: Likely benign for KSR2-related condition. Last evaluated: 2021-10-07. Review status: no assertion criteria provided. Collection method: clinical testing. Allele origin: germline.
Comment: This variant is classified as likely benign based on ACMG/AMP sequence variant interpretation guidelines (Richards et al. 2015 PMID: 25741868, with internal and published modifications).

NM_173598.6(KSR2):c.1681C>T (p.Leu561=)

Gene: KSR2 (kinase suppressor of ras 2; minus strand). Cytogenetic location: 12q24.22.
Variant type: single nucleotide variant.
Coding change: c.1681C>T on transcript NM_173598.6 (MANE Select); coding-DNA position 1681, C replaced by T.
Protein change: p.Leu561=; no amino-acid change (leucine 561 retained).
Molecular consequence: synonymous variant.
Genome position (GRCh38, 1-based): chr12:117,539,725, G>A on the plus strand (C>T on the coding strand, the complement: KSR2 is on the minus strand). VCF-style: chr12-117539725-G-A. GRCh37 (hg19) VCF-style: chr12-117977530-G-A.
Identifiers: ClinVar variation 3351553 (VCV003351553.1).